The following is an entry in ClinVar:

ClinVar aggregate classification (germline): Likely pathogenic (1 of 4 stars; one submission).

Conditions:
Hypogonadotropic hypogonadism 14 with or without anosmia (HH14). Also called: HYPOGONADOTROPIC HYPOGONADISM 14 WITHOUT ANOSMIA. Identifiers: Orphanet 478, MedGen C3540450, MONDO:0013926, OMIM 614858.

Submission:

3billion
Classification: Likely pathogenic for Hypogonadotropic hypogonadism 14 with or without anosmia. Last evaluated: 2022-05-22. Review status: criteria provided, single submitter. Criteria: ACMG Guidelines, 2015. Collection method: clinical testing. Allele origin: germline. Affected: yes. Observed: 1 heterozygote.
Comment: The variant is not observed in the gnomAD v2.1.1 dataset. Frameshift: predicted to result in a loss or disruption of normal protein function through nonsense-mediated decay (NMD) or protein truncation. Multiple pathogenic variants are reported downstream of the variant. Therefore, this variant is classified as likely pathogenic according to the recommendation of ACMG/AMP guideline.

NM_018117.12(WDR11):c.163dup (p.Gln55fs)

Gene: WDR11 (WD repeat domain 11; plus strand). Cytogenetic location: 10q26.12.
Variant type: Duplication.
Coding change: c.163dup on transcript NM_018117.12 (MANE Select); coding-DNA position 163, one base duplicated (C; older notation c.163dupC).
Protein change: p.Gln55fs; shifts the reading frame from glutamine 55.
Molecular consequence: frameshift variant.
Genome position (GRCh38, 1-based): chr10:120,852,600, C duplicated. VCF-style (leftmost placement, unchanged base first): chr10-120852599-T-TC. GRCh37 (hg19) VCF-style: chr10-122612111-T-TC.
Other names: short protein forms Q55fs.
Identifiers: ClinVar variation 1687367 (VCV001687367.1), dbSNP rs2133718612, ClinGen allele CA2573145551.